The following is an entry in ClinVar:

NM_030667.3(PTPRO):c.825C>T (p.Pro275=)

Gene: PTPRO (protein tyrosine phosphatase receptor type O; plus strand). Cytogenetic location: 12p12.3.
Variant type: single nucleotide variant.
Coding change: c.825C>T on transcript NM_030667.3 (MANE Select); coding-DNA position 825, C replaced by T.
Protein change: p.Pro275=; no amino-acid change (proline 275 retained).
Molecular consequence: synonymous variant.
Genome position (GRCh38, 1-based): chr12:15,501,783, C>T. VCF-style: chr12-15501783-C-T. GRCh37 (hg19) VCF-style: chr12-15654717-C-T.
Other names: c.825C>T, p.Pro275= (NM_002848.4).
Identifiers: ClinVar variation 4989105 (VCV004989105.1).

ClinVar aggregate classification (germline): Likely benign (1 of 4 stars; one submission).

Conditions:
PTPRO-related disorder. Also called: PTPRO-related condition.

gnomAD v4.1: 4 of 1,613,940 alleles (0.00025%); highest among the groups gnomAD compares: Admixed American, 0.0033%; no homozygotes.

Submission:

PreventionGenetics, part of Exact Sciences
Classification: Likely benign for PTPRO-related condition. Last evaluated: 2026-04-17. Review status: criteria provided, single submitter. Criteria: ACMG Guidelines, 2015. Collection method: clinical testing. Allele origin: germline.
Comment: This variant is classified as likely benign based on ACMG/AMP sequence variant interpretation guidelines (Richards et al. 2015 PMID: 25741868, with internal and published modifications).